The following is an entry in ClinVar:

ClinVar aggregate classification (germline): Uncertain significance (1 of 4 stars; one submission).

Conditions:
Hypercholesterolemia, autosomal dominant, 3 (FHCL3). Also called: Familial Hypercholesterolemia, Autosomal Dominant, 3; PCSK9-Related Familial Hypercholesterolemia, Autosomal Dominant; Familial hypercholesterolemia 3. Identifiers: MedGen C1863551, MONDO:0011369, OMIM 603776.

Submission:

All of Us Research Program, National Institutes of Health
Classification: Uncertain significance for Hypercholesterolemia, autosomal dominant, 3. Last evaluated: 2024-08-13. Review status: criteria provided, single submitter. Criteria: ACMG Guidelines, 2015. Collection method: clinical testing. Allele origin: germline. Inheritance: Autosomal dominant inheritance. Observed: 1 variant allele, 1 heterozygote.
Comment: This missense variant replaces aspartic acid with glycine at codon 146 of the PCSK9 protein. Computational prediction suggests that this variant may have deleterious impact on protein structure and function (internally defined REVEL score threshold >= 0.7, PMID: 27666373). To our knowledge, functional studies have not been reported for this variant. This variant has not been reported in individuals affected with PCSK9-related disorders in the literature. This variant has not been identified in the general population by the Genome Aggregation Database (gnomAD). The available evidence is insufficient to determine the role of this variant in disease conclusively. Therefore, this variant is classified as a Variant of Uncertain Significance.

This study involves interpretation of variants in research participants for the purpose of population health screening. Participant phenotype was not available at the time of variant classification. Additional details can be found in publication PMID: 35346344, PMCID: PMC8962531

NM_174936.4(PCSK9):c.437A>G (p.Asp146Gly)

Gene: PCSK9 (proprotein convertase subtilisin/kexin type 9; plus strand). Cytogenetic location: 1p32.3.
Variant type: single nucleotide variant.
Coding change: c.437A>G on transcript NM_174936.4 (MANE Select); coding-DNA position 437, A replaced by G.
Protein change: p.Asp146Gly; replaces aspartic acid 146 with glycine.
Molecular consequence: missense variant. On other transcripts: non-coding transcript variant (6), intron variant (1).
Genome position (GRCh38, 1-based): chr1:55,046,560, A>G. VCF-style: chr1-55046560-A-G. GRCh37 (hg19) VCF-style: chr1-55512233-A-G.
Other names: c.560A>G, p.Asp187Gly (NM_001407240.1); c.437A>G, p.Asp146Gly (NM_001407241.1, NM_001407242.1, NM_001407244.1 and 1 more transcripts); c.245A>G, p.Asp82Gly (NM_001407245.1); c.62A>G, p.Asp21Gly (NM_001407246.1); c.400-20A>G (NM_001407243.1); short protein forms D146G, D187G, D21G, D82G.
Identifiers: ClinVar variation 3387426 (VCV003387426.1).